The following is an entry in ClinVar:

ClinVar aggregate classification (germline): Benign (1 of 4 stars; one submission).

Allele frequency attached by ClinVar (database versions not stated): 1000 Genomes Project 30x 0.00297; 1000 Genomes Project 0.00339; TOPMed 0.00702; gnomAD 0.00839; ESP Exome Variant Server 0.00899; ExAC 0.00912; gnomAD exomes 0.00955.
gnomAD v4.1: 15,189 of 1,612,980 alleles (0.94%); highest among the groups gnomAD compares: Middle Eastern, 1.3%; 109 homozygotes.

Submission:

CeGaT Center for Human Genetics Tuebingen
Classification: Benign. Last evaluated: 2025-07-01. Review status: criteria provided, single submitter. Criteria: CeGaT Center For Human Genetics Tuebingen Variant Classification Criteria Version 2. Collection method: clinical testing. Allele origin: germline. Affected: yes. Observed: 2 variant alleles.
Comment: MEGF6: BS1, BS2

NM_001409.4(MEGF6):c.539C>T (p.Pro180Leu)

Gene: MEGF6 (multiple EGF like domains 6; minus strand). Cytogenetic location: 1p36.32.
Variant type: single nucleotide variant.
Coding change: c.539C>T on transcript NM_001409.4 (MANE Select); coding-DNA position 539, C replaced by T.
Protein change: p.Pro180Leu; replaces proline 180 with leucine.
Molecular consequence: missense variant.
Genome position (GRCh38, 1-based): chr1:3,524,189, G>A on the plus strand (C>T on the coding strand, the complement: MEGF6 is on the minus strand). VCF-style: chr1-3524189-G-A. GRCh37 (hg19) VCF-style: chr1-3440753-G-A.
Other names: c.224C>T, p.Pro75Leu (NM_001410718.1); short protein forms P180L, P75L.
Identifiers: ClinVar variation 2638102 (VCV002638102.24), dbSNP rs41307039, ClinGen allele CA547656.